The following is an entry in ClinVar:

NM_014714.4(IFT140):c.1346del (p.Val449fs)

Genes: IFT140 (intraflagellar transport 140; minus strand), LOC105371046 (uncharacterized LOC105371046; plus strand). Cytogenetic location: 16p13.3.
Variant type: Deletion.
Coding change: c.1346del on transcript NM_014714.4 (MANE Select); coding-DNA position 1346, one base deleted (T; older notation c.1346delT).
Protein change: p.Val449fs; shifts the reading frame from valine 449.
Molecular consequence: frameshift variant.
Genome position (GRCh38, 1-based): chr16:1,584,230, A deleted on the plus strand (T on the coding strand, the reverse complement: IFT140 is on the minus strand). VCF-style (leftmost placement, unchanged base first): chr16-1584229-CA-C. GRCh37 (hg19) VCF-style: chr16-1634230-CA-C.
Other names: short protein forms V449fs.
Identifiers: ClinVar variation 2130009 (VCV002130009.5), dbSNP rs2507758369, ClinGen allele CA2580090456.

ClinVar aggregate classification (germline): Pathogenic/Likely pathogenic. Review status: criteria provided, multiple submitters, no conflicts (2 of 4 stars). 2 submissions from 2 submitters: Pathogenic (1); Likely pathogenic (1). Last evaluated 2025-05-19.

Conditions:
IFT140-related disorders.
Saldino-Mainzer syndrome (SRTD9). Also called: CONORENAL SYNDROME; short-rib thoracic dysplasia 9 with or without polydactyly; SHORT-RIB THORACIC DYSPLASIA 9 WITHOUT POLYDACTYLY; Renal dysplasia, retinal pigmentary dystrophy, cerebellar ataxia and skeletal dysplasia. Identifiers: Orphanet 140969, MedGen C1849437, MONDO:0009964, OMIM 266920.

Submissions (2):

Labcorp Genetics (formerly Invitae), Labcorp
Classification: Pathogenic for Saldino-Mainzer syndrome. Last evaluated: 2025-05-19. Review status: criteria provided, single submitter. Criteria: Invitae Variant Classification Sherloc (09022015). Collection method: clinical testing. Allele origin: germline.
Comment: This sequence change creates a premature translational stop signal (p.Val449Glyfs*39) in the IFT140 gene. It is expected to result in an absent or disrupted protein product. Loss-of-function variants in IFT140 are known to be pathogenic (PMID: 22503633, 23418020, 24009529, 26216056). This variant is not present in population databases (gnomAD no frequency). This variant has not been reported in the literature in individuals affected with IFT140-related conditions. ClinVar contains an entry for this variant (Variation ID: 2130009). Algorithms developed to predict the effect of sequence changes on RNA splicing suggest that this variant may create or strengthen a splice site. For these reasons, this variant has been classified as Pathogenic.

Blueprint Genetics
Classification: Likely pathogenic for IFT140-related disorders. Last evaluated: 2019-08-02. Review status: criteria provided, single submitter. Criteria: ACMG Guidelines, 2015. Collection method: clinical testing. Allele origin: germline. Affected: yes. Observed: 1 variant allele.

Literature cited by the submitters: PubMed 22503633 (cited by Labcorp Genetics (formerly Invitae), Labcorp); PubMed 23418020 (cited by Labcorp Genetics (formerly Invitae), Labcorp); PubMed 24009529 (cited by Labcorp Genetics (formerly Invitae), Labcorp); PubMed 26216056 (cited by Labcorp Genetics (formerly Invitae), Labcorp).